The following is an entry in ClinVar:

ClinVar aggregate classification (germline): Uncertain significance (1 of 4 stars; one submission).

Conditions:
Fanconi anemia (FA). Also called: Fanconi's anemia. Identifiers: Orphanet 84, MedGen C0015625, MeSH D005199, MONDO:0019391.

Allele frequency attached by ClinVar (database versions not stated): gnomAD exomes below 0.00001.
gnomAD v4.1: 1 of 1,614,008 alleles (0.000062%); highest among the groups gnomAD compares: South Asian, 0.0011%; no homozygotes.

Submission:

Labcorp Genetics (formerly Invitae), Labcorp
Classification: Uncertain significance for Fanconi anemia. Last evaluated: 2022-08-10. Review status: criteria provided, single submitter. Criteria: Invitae Variant Classification Sherloc (09022015). Collection method: clinical testing. Allele origin: germline.
Comment: This variant is not present in population databases (gnomAD no frequency). This variant has not been reported in the literature in individuals affected with FANCC-related conditions. Algorithms developed to predict the effect of missense changes on protein structure and function (SIFT, PolyPhen-2, Align-GVGD) all suggest that this variant is likely to be disruptive. In summary, the available evidence is currently insufficient to determine the role of this variant in disease. Therefore, it has been classified as a Variant of Uncertain Significance. This sequence change replaces alanine, which is neutral and non-polar, with glycine, which is neutral and non-polar, at codon 285 of the FANCC protein (p.Ala285Gly).

NM_000136.3(FANCC):c.854C>G (p.Ala285Gly)

Genes: AOPEP (aminopeptidase O (putative); plus strand), FANCC (FA complementation group C; minus strand). Cytogenetic location: 9q22.32.
Variant type: single nucleotide variant.
Coding change: c.854C>G on transcript NM_000136.3 (MANE Select); coding-DNA position 854, C replaced by G.
Protein change: p.Ala285Gly; replaces alanine 285 with glycine.
Molecular consequence: missense variant.
Genome position (GRCh38, 1-based): chr9:95,126,571, G>C on the plus strand (C>G on the coding strand, the complement: FANCC is on the minus strand). VCF-style: chr9-95126571-G-C. GRCh37 (hg19) VCF-style: chr9-97888853-G-C.
Other names: c.854C>G, p.Ala285Gly (NM_001243743.2, NM_001243744.2); short protein forms A285G.
Identifiers: ClinVar variation 1716093 (VCV001716093.5), dbSNP rs1354711465, ClinGen allele CA374109136.